The following is an entry in ClinVar:

ClinVar aggregate classification (germline): Uncertain significance (0 of 4 stars; one submission).

Conditions:
DNAH9-related disorder. Also called: DNAH9-related condition.

Submission:

PreventionGenetics, part of Exact Sciences
Classification: Uncertain significance for DNAH9-related condition. Last evaluated: 2024-07-01. Review status: no assertion criteria provided. Collection method: clinical testing. Allele origin: germline.
Comment: The DNAH9 c.6379G>A variant is predicted to result in the amino acid substitution p.Glu2127Lys. To our knowledge, this variant has not been reported in the literature or in a large population database, indicating this variant is rare. At this time, the clinical significance of this variant is uncertain due to the absence of conclusive functional and genetic evidence.

NM_001372.4(DNAH9):c.6379G>A (p.Glu2127Lys)

Gene: DNAH9 (dynein axonemal heavy chain 9; plus strand). Cytogenetic location: 17p12.
Variant type: single nucleotide variant.
Coding change: c.6379G>A on transcript NM_001372.4 (MANE Select); coding-DNA position 6379, G replaced by A.
Protein change: p.Glu2127Lys; replaces glutamic acid 2127 with lysine.
Molecular consequence: missense variant.
Genome position (GRCh38, 1-based): chr17:11,745,064, G>A. VCF-style: chr17-11745064-G-A. GRCh37 (hg19) VCF-style: chr17-11648381-G-A.
Other names: short protein forms E2127K.
Identifiers: ClinVar variation 3346247 (VCV003346247.1).